The following is an entry in ClinVar:

ClinVar aggregate classification (germline): Uncertain significance (1 of 4 stars; one submission).

Conditions:
Charcot-Marie-Tooth disease, type I (CMT1). Also called: Charcot-Marie-Tooth disease type 1; Charcot-Marie-Tooth, Type 1. Identifiers: Orphanet 65753, MedGen C0751036, MONDO:0019011.

Submission:

Labcorp Genetics (formerly Invitae), Labcorp
Classification: Uncertain significance for Charcot-Marie-Tooth disease, type I. Last evaluated: 2024-09-19. Review status: criteria provided, single submitter. Criteria: Invitae Variant Classification Sherloc (09022015). Collection method: clinical testing. Allele origin: germline.
Comment: This sequence change replaces leucine, which is neutral and non-polar, with methionine, which is neutral and non-polar, at codon 158 of the MPZ protein (p.Leu158Met). This variant is not present in population databases (gnomAD no frequency). This missense change has been observed in individual(s) with clinical features of Charcot-Marie-Tooth disease (internal data). Invitae Evidence Modeling of protein sequence and biophysical properties (such as structural, functional, and spatial information, amino acid conservation, physicochemical variation, residue mobility, and thermodynamic stability) indicates that this missense variant is not expected to disrupt MPZ protein function with a negative predictive value of 80%. In summary, the available evidence is currently insufficient to determine the role of this variant in disease. Therefore, it has been classified as a Variant of Uncertain Significance.

NM_000530.8(MPZ):c.472C>A (p.Leu158Met)

Gene: MPZ (myelin protein zero; minus strand). Cytogenetic location: 1q23.3.
Variant type: single nucleotide variant.
Coding change: c.472C>A on transcript NM_000530.8 (MANE Select); coding-DNA position 472, C replaced by A.
Protein change: p.Leu158Met; replaces leucine 158 with methionine.
Molecular consequence: missense variant.
Genome position (GRCh38, 1-based): chr1:161,306,441, G>T on the plus strand (C>A on the coding strand, the complement: MPZ is on the minus strand). VCF-style: chr1-161306441-G-T. GRCh37 (hg19) VCF-style: chr1-161276231-G-T.
Other names: c.472C>A, p.Leu158Met (NM_001315491.2); short protein forms L158M.
Identifiers: ClinVar variation 3629145 (VCV003629145.2).